The following is an entry in ClinVar:

ClinVar aggregate classification (germline): Pathogenic. Review status: criteria provided, multiple submitters, no conflicts (2 of 4 stars). 2 submissions from 2 submitters: Pathogenic (2). Last evaluated 2023-07-19.

Conditions:
Rhizomelic chondrodysplasia punctata (RCDP). Identifiers: Orphanet 177, MedGen C0282529, MONDO:0015776. Disease mechanism: loss of function.

Submissions (2):

Labcorp Genetics (formerly Invitae), Labcorp
Classification: Pathogenic. Last evaluated: 2023-07-19. Review status: criteria provided, single submitter. Criteria: Invitae Variant Classification Sherloc (09022015). Collection method: clinical testing. Allele origin: germline.
Comment: For these reasons, this variant has been classified as Pathogenic. ClinVar contains an entry for this variant (Variation ID: 1073464). This variant has not been reported in the literature in individuals affected with GNPAT-related conditions. This variant is not present in population databases (gnomAD no frequency). This sequence change creates a premature translational stop signal (p.Leu528Glnfs*5) in the GNPAT gene. It is expected to result in an absent or disrupted protein product. Loss-of-function variants in GNPAT are known to be pathogenic (PMID: 9536089, 21990100).

Women's Health and Genetics/Laboratory Corporation of America, LabCorp
Classification: Pathogenic for Rhizomelic chondrodysplasia punctata. Last evaluated: 2023-07-19. Review status: criteria provided, single submitter. Criteria: LabCorp Variant Classification Summary - May 2015. Collection method: clinical testing. Allele origin: germline.
Comment: Variant summary: GNPAT c.1583_1586delTTCC (p.Leu528GlnfsX5) results in a premature termination codon, predicted to cause a truncation of the encoded protein or absence of the protein due to nonsense mediated decay, which are commonly known mechanisms for disease. The variant was absent in 251410 control chromosomes (gnomAD). To our knowledge, no occurrence of c.1583_1586delTTCC in individuals affected with Rhizomelic Chondrodysplasia Punctata and no experimental evidence demonstrating its impact on protein function have been reported. One submitter has cited clinical-significance assessments for this variant to ClinVar after 2014 and has classified the variant as pathogenic. Based on the evidence outlined above, the variant was classified as pathogenic.

Literature cited by the submitters: PubMed 9536089 (cited by Labcorp Genetics (formerly Invitae), Labcorp); PubMed 21990100 (cited by Labcorp Genetics (formerly Invitae), Labcorp).

NM_014236.4(GNPAT):c.1583_1586del (p.Leu528fs)

Gene: GNPAT (glyceronephosphate O-acyltransferase; plus strand). Cytogenetic location: 1q42.2.
Variant type: Microsatellite.
Coding change: c.1583_1586del on transcript NM_014236.4 (MANE Select); coding-DNA positions 1583 to 1586, 4 bases deleted (TTCC; older notation c.1583_1586delTTCC).
Protein change: p.Leu528fs; shifts the reading frame from leucine 528.
Molecular consequence: frameshift variant.
Genome position (GRCh38, 1-based): chr1:231,272,372-231,272,375, TTCC deleted; deleting any 4 consecutive bases within chr1:231,272,367-231,272,375 gives the same sequence; the c. name uses the placement nearest the transcript's 3' end. VCF-style (leftmost placement, unchanged base first): chr1-231272366-TCTTC-T. GRCh37 (hg19) VCF-style: chr1-231408112-TCTTC-T.
Other names: c.1400_1403del, p.Leu467fs (NM_001316350.2); short protein forms L467fs, L528fs.
Identifiers: ClinVar variation 1073464 (VCV001073464.8), dbSNP rs2102825068, ClinGen allele CA2580611560.